The following is an entry in ClinVar:

NM_005027.4(PIK3R2):c.409A>G (p.Arg137Gly)

Gene: PIK3R2 (phosphoinositide-3-kinase regulatory subunit 2; plus strand). Cytogenetic location: 19p13.11.
Variant type: single nucleotide variant.
Coding change: c.409A>G on transcript NM_005027.4 (MANE Select); coding-DNA position 409, A replaced by G.
Protein change: p.Arg137Gly; replaces arginine 137 with glycine.
Molecular consequence: missense variant. On other transcripts: non-coding transcript variant (2).
Genome position (GRCh38, 1-based): chr19:18,160,557, A>G. VCF-style: chr19-18160557-A-G. GRCh37 (hg19) VCF-style: chr19-18271367-A-G.
Other names: short protein forms R137G.
Identifiers: ClinVar variation 3636214 (VCV003636214.2).
Genomic context (GRCh38, chr19:18,160,557, plus strand): 5'-CAGTTCTCCCCACCTGATGTGGCTCCCCCTCTTCTGGTGAAGCTTGTGGAGGCCATTGAA[A>G]GGACAGGTAAGTTCCAGCCTGGCTGCAGCCCCTGGATTCTGCTTGCTTACCTCTAGTGAC-3'
Protein context (NP_005018.2, residues 127-147): LLVKLVEAIE[Arg137Gly]TGLDSESHYR

ClinVar aggregate classification (germline): Uncertain significance (1 of 4 stars; one submission).

Conditions:
Megalencephaly-polymicrogyria-postaxial polydactyly-hydrocephalus syndrome. Also called: MPPH Syndrome; MEG-PMG-MEGACC SYNDROME. Identifiers: Orphanet 83473, MedGen C1863924, MONDO:0019375.

Submission:

Labcorp Genetics (formerly Invitae), Labcorp
Classification: Uncertain significance for Megalencephaly-polymicrogyria-postaxial polydactyly-hydrocephalus syndrome. Last evaluated: 2024-12-31. Review status: criteria provided, single submitter. Criteria: Invitae Variant Classification Sherloc (09022015). Collection method: clinical testing. Allele origin: germline.
Comment: This sequence change replaces arginine, which is basic and polar, with glycine, which is neutral and non-polar, at codon 137 of the PIK3R2 protein (p.Arg137Gly). This variant is not present in population databases (gnomAD no frequency). This variant has not been reported in the literature in individuals affected with PIK3R2-related conditions. Invitae Evidence Modeling of protein sequence and biophysical properties (such as structural, functional, and spatial information, amino acid conservation, physicochemical variation, residue mobility, and thermodynamic stability) indicates that this missense variant is not expected to disrupt PIK3R2 protein function with a negative predictive value of 95%. In summary, the available evidence is currently insufficient to determine the role of this variant in disease. Therefore, it has been classified as a Variant of Uncertain Significance.